The following is an entry in ClinVar:

ClinVar aggregate classification (germline): Pathogenic. Review status: criteria provided, multiple submitters, no conflicts (2 of 4 stars). 6 submissions from 6 submitters: Pathogenic (6). Last evaluated 2026-08-06.

Conditions:
Inborn genetic diseases. Identifiers: MedGen C0950123, MeSH D030342.
Coffin-Siris syndrome 1 (CSS1). Also called: Mental retardation, autosomal dominant 12; ARID1B-Related Coffin-Siris Syndrome. Identifiers: Orphanet 1465, MedGen C3281201, MONDO:0007617, OMIM 135900. Disease mechanism: gain of function.

Submissions (6):

OLLIN Analises Genomicas, OLLIN
Classification: Pathogenic for Coffin-Siris syndrome 1. Last evaluated: 2026-08-06. Review status: criteria provided, single submitter. Criteria: ACMG Guidelines 2015 PMID 25741868. Collection method: clinical testing. Allele origin: de novo. Inheritance: Autosomal dominant inheritance.
Comment: This frameshift variant, located in exon 1 (of 20), has been reported in ClinVar (accession VCV000817019.35), in gnomAD with an allele frequency of 0.00016%, and in the scientific literature, also being identified de novo, in individuals with ARID1B related disorders (PMID: 34440449, 27763634). This variant causes a frameshift and introduces a premature stop codon, which is predicted to result in either a truncated protein or degradation of the mRNA via nonsense-mediated decay (NMD). According to the currently available evidence, this variant has been classified as pathogenic (PVS1, PS2_M, PS4_P, PM2_P).

GeneDx
Classification: Pathogenic. Last evaluated: 2024-08-30. Review status: criteria provided, single submitter. Criteria: GeneDx Variant Classification Process June 2021. Collection method: clinical testing. Allele origin: germline. Affected: yes.
Comment: Identified in an individual with CSS and inherited from the affected father (PMID: 34440449); Frameshift variant predicted to result in protein truncation or nonsense mediated decay in a gene for which loss of function is a known mechanism of disease; Not observed at significant frequency in large population cohorts (gnomAD); This variant is associated with the following publications: (PMID: 35982159, 34312540, 37500730, 34440449)

CeGaT Center for Human Genetics Tuebingen
Classification: Pathogenic. Last evaluated: 2023-12-01. Review status: criteria provided, single submitter. Criteria: CeGaT Center For Human Genetics Tuebingen Variant Classification Criteria Version 2. Collection method: clinical testing. Allele origin: germline. Affected: yes. Observed: 2 variant alleles.
Comment: ARID1B: PVS1, PM2, PS4:Moderate

3billion
Classification: Pathogenic for Coffin-Siris syndrome 1. Last evaluated: 2022-05-22. Review status: criteria provided, single submitter. Criteria: ACMG Guidelines, 2015. Collection method: clinical testing. Allele origin: germline. Affected: yes. Observed: 1 heterozygote.
Comment: The variant is not observed in the gnomAD v2.1.1 dataset. Frameshift: predicted to result in a loss or disruption of normal protein function through nonsense-mediated decay (NMD) or protein truncation. Multiple pathogenic variants are reported downstream of the variant. The variant has been confirmed to be de novo as shown in the table above The variant has been reported at least twice as pathogenic without evidence for the classification (ClinVar ID: VCV000817019). Therefore, this variant is classified as pathogenic according to the recommendation of ACMG/AMP guideline.

Genome-Nilou Lab
Classification: Pathogenic for Coffin-Siris syndrome 1. Last evaluated: 2021-07-15. Review status: criteria provided, single submitter. Criteria: ACMG Guidelines, 2015. Collection method: clinical testing. Allele origin: germline. Affected: no.

Ambry Genetics
Classification: Pathogenic for Inborn genetic diseases. Last evaluated: 2018-03-14. Review status: criteria provided, single submitter. Criteria: Ambry exome assertion method (8-5-2015). Collection method: clinical testing. Allele origin: germline. Affected: yes. Observed: 1 variant allele.

Literature cited by the submitters: PubMed 34440449 (cited by OLLIN Analises Genomicas, OLLIN); PubMed 27763634 (cited by OLLIN Analises Genomicas, OLLIN).

NM_001374828.1(ARID1B):c.1293_1311del (p.Gly434fs)

Gene: ARID1B (AT-rich interaction domain 1B; plus strand). Cytogenetic location: 6q25.3.
Variant type: Deletion.
Coding change: c.1293_1311del on transcript NM_001374828.1 (MANE Select); coding-DNA positions 1293 to 1311, 19 bases deleted (AGCAGCAGGAGGCGGCGGC).
Protein change: p.Gly434fs; shifts the reading frame from glycine 434.
Molecular consequence: frameshift variant.
Genome position (GRCh38, 1-based): chr6:156,778,973-156,778,991, AGCAGCAGGAGGCGGCGGC deleted; deleting any 19 consecutive bases within chr6:156,778,964-156,778,991 gives the same sequence; the c. name uses the placement nearest the transcript's 3' end. VCF-style (leftmost placement, unchanged base first): chr6-156778963-CGGCGGCGGCAGCAGCAGGA-C. GRCh37 (hg19) VCF-style: chr6-157100097-CGGCGGCGGCAGCAGCAGGA-C.
Other names: c.1044_1062del19 (NM_020732.3); c.1044_1062del (NM_020732.3); c.1293_1311del, p.Gly434fs (NM_001371656.1, NM_001374820.1, NM_017519.3); short protein forms G434fs.
Identifiers: ClinVar variation 817019 (VCV000817019.37), dbSNP rs943407609, ClinGen allele CA150802768.